The following is an entry in ClinVar:

NM_001366521.1(ATP2B1):c.1041A>C (p.Lys347Asn)

Gene: ATP2B1 (ATPase plasma membrane Ca2+ transporting 1; minus strand). Cytogenetic location: 12q21.33.
Variant type: single nucleotide variant.
Coding change: c.1041A>C on transcript NM_001366521.1 (MANE Select); coding-DNA position 1041, A replaced by C.
Protein change: p.Lys347Asn; replaces lysine 347 with asparagine.
Molecular consequence: missense variant. On other transcripts: non-coding transcript variant (3).
Genome position (GRCh38, 1-based): chr12:89,626,542, T>G on the plus strand (A>C on the coding strand, the complement: ATP2B1 is on the minus strand). VCF-style: chr12-89626542-T-G. GRCh37 (hg19) VCF-style: chr12-90020319-T-G.
Other names: c.1041A>C, p.Lys347Asn (NM_001001323.2, NM_001366520.1, NM_001366522.1 and 13 more transcripts); c.843A>C, p.Lys281Asn (NM_001366530.1, NM_001413053.1); c.480A>C, p.Lys160Asn (NM_001366531.1, NM_001366532.1, NM_001413058.1 and 2 more transcripts); c.1002A>C, p.Lys334Asn (NM_001413048.1); c.900A>C, p.Lys300Asn (NM_001413051.1, NM_001413052.1, NM_001413055.1); c.786A>C, p.Lys262Asn (NM_001413056.1); c.588A>C, p.Lys196Asn (NM_001413057.1); short protein forms K196N, K262N, K347N, K160N, K281N, K300N, K334N.
Identifiers: ClinVar variation 4741386 (VCV004741386.1).

ClinVar aggregate classification (germline): Uncertain significance (1 of 4 stars; one submission).

Submission:

Labcorp Genetics (formerly Invitae), Labcorp
Classification: Uncertain significance. Last evaluated: 2025-11-14. Review status: criteria provided, single submitter. Criteria: Invitae Variant Classification Sherloc (09022015). Collection method: clinical testing. Allele origin: germline.
Comment: This sequence change replaces lysine, which is basic and polar, with asparagine, which is neutral and polar, at codon 347 of the ATP2B1 protein (p.Lys347Asn). This variant is not present in population databases (gnomAD no frequency). This variant has not been reported in the literature in individuals affected with ATP2B1-related conditions. Invitae Evidence Modeling of protein sequence and biophysical properties (such as structural, functional, and spatial information, amino acid conservation, physicochemical variation, residue mobility, and thermodynamic stability) indicates that this missense variant is not expected to disrupt ATP2B1 protein function with a negative predictive value of 80%. In summary, the available evidence is currently insufficient to determine the role of this variant in disease. Therefore, it has been classified as a Variant of Uncertain Significance.